The following is an entry in ClinVar:

ClinVar aggregate classification (germline): Uncertain significance. Review status: criteria provided, multiple submitters, no conflicts (2 of 4 stars). 3 submissions from 3 submitters: Uncertain significance (3). Last evaluated 2025-05-22.

Conditions:
TTN-related disorder. Also called: TTN-related condition; TTN-related disease; TTN-related disorders.

Allele frequency attached by ClinVar (database versions not stated): TOPMed below 0.00001; ExAC 0.00001; gnomAD exomes 0.00001; ESP Exome Variant Server 0.00016.
gnomAD v4.1: 15 of 1,613,790 alleles (0.00093%); highest among the groups gnomAD compares: Non-Finnish European, 0.0013%; no homozygotes.

Submissions (3):

PreventionGenetics, part of Exact Sciences
Classification: Uncertain significance for TTN-related condition. Last evaluated: 2025-05-22. Review status: criteria provided, single submitter. Criteria: ACMG Guidelines, 2015. Collection method: clinical testing. Allele origin: germline.
Comment: The TTN c.92383G>A variant is predicted to result in the amino acid substitution p.Val30795Ile. To our knowledge, this variant has not been reported in the literature. This variant is reported in 0.0018% of alleles in individuals of European (Non-Finnish) descent in gnomAD. At this time, the clinical significance of this variant is uncertain due to the absence of conclusive functional and genetic evidence.

Women's Health and Genetics/Laboratory Corporation of America, LabCorp
Classification: Uncertain significance. Last evaluated: 2023-05-22. Review status: criteria provided, single submitter. Criteria: LabCorp Variant Classification Summary - May 2015. Collection method: clinical testing. Allele origin: germline.

Laboratory for Molecular Medicine, Mass General Brigham Personalized Medicine
Classification: Uncertain significance. Last evaluated: 2013-12-26. Review status: criteria provided, single submitter. Criteria: LMM Criteria. Collection method: clinical testing. Allele origin: germline. Observed: 1 variant allele.
Comment: The Val28227Ile in TTN has not been previously reported in individuals with card iomyopathy, but has been identified in 2/8338 European American chromosomes by t he NHLBI Exome Sequencing Project (dbSNP rs3690258 66). Computational analyses (biochemical amino acid properties, conservation, Al ignGVGD, PolyPhen2, and SIFT) do not provide strong support for or against an im pact to the protein. Additional information is needed to fully assess the clinic al significance of this variant.

NM_001267550.2(TTN):c.92383G>A (p.Val30795Ile)

Genes: TTN-AS1 (TTN antisense RNA 1; plus strand), TTN (titin; minus strand). Cytogenetic location: 2q31.2.
Variant type: single nucleotide variant.
Coding change: c.92383G>A on transcript NM_001267550.2 (MANE Select); coding-DNA position 92383, G replaced by A.
Protein change: p.Val30795Ile; replaces valine 30795 with isoleucine.
Molecular consequence: missense variant.
Genome position (GRCh38, 1-based): chr2:178,549,243, C>T on the plus strand (G>A on the coding strand, the complement: TTN is on the minus strand). VCF-style: chr2-178549243-C-T. GRCh37 (hg19) VCF-style: chr2-179413970-C-T.
Other names: c.87460G>A, p.Val29154Ile (NM_001256850.1); c.65188G>A, p.Val21730Ile (NM_003319.4); c.65563G>A, p.Val21855Ile (NM_133432.3); c.65764G>A, p.Val21922Ile (NM_133437.4); c.84679G>A, p.Val28227Ile (NM_133378.4); short protein forms V28227I, V30795I, V21855I, V21730I, V21922I, V29154I.
Identifiers: ClinVar variation 178171 (VCV000178171.7), dbSNP rs369025866, ClinGen allele CA181635.